The following is an entry in ClinVar:

ClinVar aggregate classification (germline): Benign/Likely benign. Review status: criteria provided, multiple submitters, no conflicts (2 of 4 stars). 9 submissions from 9 submitters: Benign (8); Likely benign (1). Last evaluated 2026-02-04.

Conditions:
Inborn genetic diseases. Identifiers: MedGen C0950123, MeSH D030342.
Spastic paraplegia. Identifiers: MedGen C0037772, HP:0001258.

Allele frequency attached by ClinVar (database versions not stated): gnomAD exomes 0.00261; 1000 Genomes Project 0.00821; gnomAD 0.00970 and 0.00902; TOPMed 0.01042; ESP Exome Variant Server 0.01174; ExAC 0.00331; 1000 Genomes Project 30x 0.00812.
gnomAD v4.1: 1,975 of 1,208,295 alleles (0.16%); highest among the groups gnomAD compares: African/African-American, 3.2%; 18 homozygotes.

Submissions (9):

Labcorp Genetics (formerly Invitae), Labcorp
Classification: Benign for Spastic paraplegia. Last evaluated: 2026-02-04. Review status: criteria provided, single submitter. Criteria: Invitae Variant Classification Sherloc (09022015). Collection method: clinical testing. Allele origin: germline.

Athena Diagnostics
Classification: Benign. Last evaluated: 2025-03-28. Review status: criteria provided, single submitter. Criteria: Athena Diagnostics Criteria. Collection method: clinical testing. Allele origin: unknown.
Comment: The frequency of this variant in the general population is higher than would generally be expected for pathogenic variants in this gene.

Blueprint Genetics
Classification: Likely benign. Last evaluated: 2024-11-25. Review status: criteria provided, single submitter. Criteria: ACMG Guidelines, 2015. Collection method: clinical testing. Allele origin: germline.

Ambry Genetics
Classification: Benign for Inborn genetic diseases. Last evaluated: 2015-12-24. Review status: criteria provided, single submitter. Criteria: Ambry Variant Classification Scheme 2023. Collection method: clinical testing. Allele origin: germline.

Center for Pediatric Genomic Medicine, Children's Mercy Hospital and Clinics
Classification: Benign. Last evaluated: 2015-11-23. Review status: criteria provided, single submitter. Criteria: ACMG Guidelines, 2015. Collection method: clinical testing. Allele origin: germline.

Eurofins Ntd Llc (ga)
Classification: Benign. Last evaluated: 2015-10-14. Review status: criteria provided, single submitter. Criteria: EGL Classification Definitions 2015. Collection method: clinical testing. Allele origin: germline. Observed: 2 variant alleles, 2 hemizygotes.

GeneDx
Classification: Benign. Last evaluated: 2015-03-03. Review status: criteria provided, single submitter. Criteria: GeneDx Variant Classification Process June 2021. Collection method: clinical testing. Allele origin: germline. Affected: yes.

Genetic Services Laboratory, University of Chicago
Classification: Benign. Last evaluated: 2013-08-01. Review status: criteria provided, single submitter. Criteria: ACMG Guidelines, 2007. Collection method: clinical testing. Allele origin: germline.

Breakthrough Genomics
Classification: Benign. Review status: criteria provided, single submitter. Criteria: ACMG Guidelines, 2015. Collection method: not provided. Allele origin: germline. Inheritance: X-linked inheritance. Affected: yes.

NM_001278116.2(L1CAM):c.28C>T (p.Pro10Ser)

Gene: L1CAM (L1 cell adhesion molecule; minus strand). Cytogenetic location: Xq28.
Variant type: single nucleotide variant.
Coding change: c.28C>T on transcript NM_001278116.2 (MANE Select); coding-DNA position 28, C replaced by T.
Protein change: p.Pro10Ser; replaces proline 10 with serine.
Molecular consequence: missense variant.
Genome position (GRCh38, 1-based): chrX:153,875,809, G>A on the plus strand (C>T on the coding strand, the complement: L1CAM is on the minus strand). VCF-style: chrX-153875809-G-A. GRCh37 (hg19) VCF-style: chrX-153141264-G-A.
Other names: c.28C>T, p.Pro10Ser (NM_000425.5, NM_001143963.2, NM_024003.3); short protein forms P10S.
Identifiers: ClinVar variation 92930 (VCV000092930.28), dbSNP rs144605615, ClinGen allele CA146093.